The following is an entry in ClinVar:

ClinVar aggregate classification (germline): Uncertain significance (1 of 4 stars; one submission).

gnomAD v4.1: 1 of 1,612,404 alleles (0.000062%); highest among the groups gnomAD compares: Non-Finnish European, 0.000085%; no homozygotes.

Submission:

Dasa
Classification: Uncertain significance. Last evaluated: 2025-08-25. Review status: criteria provided, single submitter. Criteria: DASA Assertion Criteria. Collection method: clinical testing. Allele origin: germline.
Comment: NM_002430.3(MN1):c.3508T>A (p.Ser1170Thr) is a missense variant that results in the substitution of serine with threonine. This variant is rare in population databases. The currently available literature and clinical evidence are not sufficient to establish a definitive association between this variant and the reported condition. Therefore, this variant is classified as a variant of uncertain significance.

NM_002430.3(MN1):c.3508T>A (p.Ser1170Thr)

Gene: MN1 (MN1 proto-oncogene, transcriptional regulator; minus strand). Cytogenetic location: 22q12.1.
Variant type: single nucleotide variant.
Coding change: c.3508T>A on transcript NM_002430.3 (MANE Select); coding-DNA position 3508, T replaced by A.
Protein change: p.Ser1170Thr; replaces serine 1170 with threonine.
Molecular consequence: missense variant.
Genome position (GRCh38, 1-based): chr22:27,797,036, A>T on the plus strand (T>A on the coding strand, the complement: MN1 is on the minus strand). VCF-style: chr22-27797036-A-T. GRCh37 (hg19) VCF-style: chr22-28193024-A-T.
Other names: short protein forms S1170T.
Identifiers: ClinVar variation 4883800 (VCV004883800.2).
Genomic context (GRCh38, chr22:27,797,036, plus strand): 5'-AGGCCCCGACGGCGCACTCACCCTTCTTGCCACCCTTCAGCCCCAGAGGCTGGTCCTCGG[A>T]GATGCTGAACTGCTGCCTCTGTAGCTGGATCTGCGCCTGAAGGATCTCCAGGGGGTGGAT-3'
Protein context (NP_002421.3, residues 1160-1180): IQLQRQQFSI[Ser1170Thr]EDQPLGLKGG